The following is an entry in ClinVar:

NM_020778.5(ALPK3):c.221A>C (p.Glu74Ala)

Gene: ALPK3 (alpha kinase 3; plus strand). Cytogenetic location: 15q25.3.
Variant type: single nucleotide variant.
Coding change: c.221A>C on transcript NM_020778.5 (MANE Select); coding-DNA position 221, A replaced by C.
Protein change: p.Glu74Ala; replaces glutamic acid 74 with alanine.
Molecular consequence: missense variant.
Genome position (GRCh38, 1-based): chr15:84,827,522, A>C. VCF-style: chr15-84827522-A-C. GRCh37 (hg19) VCF-style: chr15-85370753-A-C.
Other names: short protein forms E74A.
Identifiers: ClinVar variation 1198412 (VCV001198412.11), dbSNP rs533505673, ClinGen allele CA7708894.

ClinVar aggregate classification (germline): Uncertain significance. Review status: criteria provided, multiple submitters, no conflicts (2 of 4 stars). 4 submissions from 4 submitters: Uncertain significance (4). Last evaluated 2026-03-20.

Conditions:
Cardiovascular phenotype. Identifiers: MedGen CN230736.
ALPK3-related disorder. Also called: ALPK3-related condition.

Allele frequency attached by ClinVar (database versions not stated): gnomAD exomes 0.00001 and 0.00002; ExAC 0.00002; gnomAD 0.00010 and 0.00011; 1000 Genomes Project 30x 0.00016; 1000 Genomes Project 0.00020; TOPMed 0.00023.
gnomAD v4.1: 38 of 1,614,208 alleles (0.0024%); highest among the groups gnomAD compares: Admixed American, 0.037%; no homozygotes.

Submissions (4):

PreventionGenetics, part of Exact Sciences
Classification: Uncertain significance for ALPK3-related condition. Last evaluated: 2026-03-20. Review status: criteria provided, single submitter. Criteria: ACMG Guidelines, 2015. Collection method: clinical testing. Allele origin: germline.
Comment: The ALPK3 c.827A>C variant is predicted to result in the amino acid substitution p.Glu276Ala. To our knowledge, this variant has not been reported in the literature. This variant is reported in 0.014% of alleles in individuals of Latino descent in gnomAD. At this time, the clinical significance of this variant is uncertain due to the absence of conclusive functional and genetic evidence.

Labcorp Genetics (formerly Invitae), Labcorp
Classification: Uncertain significance. Last evaluated: 2025-12-29. Review status: criteria provided, single submitter. Criteria: Invitae Variant Classification Sherloc (09022015). Collection method: clinical testing. Allele origin: germline.
Comment: This sequence change replaces glutamic acid, which is acidic and polar, with alanine, which is neutral and non-polar, at codon 276 of the ALPK3 protein (p.Glu276Ala). This variant is present in population databases (rs533505673, gnomAD 0.01%). This variant has not been reported in the literature in individuals affected with ALPK3-related conditions. ClinVar contains an entry for this variant (Variation ID: 1198412). An algorithm developed to predict the effect of missense changes on protein structure and function (PolyPhen-2) suggests that this variant is likely to be disruptive. In summary, the available evidence is currently insufficient to determine the role of this variant in disease. Therefore, it has been classified as a Variant of Uncertain Significance.

Ambry Genetics
Classification: Uncertain significance for Cardiovascular phenotype. Last evaluated: 2023-09-12. Review status: criteria provided, single submitter. Criteria: Ambry Variant Classification Scheme 2023. Collection method: clinical testing. Allele origin: germline.
Comment: The p.E276A variant (also known as c.827A>C), located in coding exon 3 of the ALPK3 gene, results from an A to C substitution at nucleotide position 827. The glutamic acid at codon 276 is replaced by alanine, an amino acid with dissimilar properties. This amino acid position is well conserved in available vertebrate species. In addition, this alteration is predicted to be tolerated by in silico analysis. Since supporting evidence is limited at this time, the clinical significance of this alteration remains unclear.

GeneDx
Classification: Uncertain significance. Last evaluated: 2020-10-19. Review status: criteria provided, single submitter. Criteria: GeneDx Variant Classification Process June 2021. Collection method: clinical testing. Allele origin: germline. Affected: yes.
Comment: Not observed at a significant frequency in large population cohorts (Lek et al., 2016); In silico analysis supports that this missense variant has a deleterious effect on protein structure/function; Has not been previously published as pathogenic or benign to our knowledge